The following is an entry in ClinVar:

NM_001190274.2(FBXO11):c.1537G>T (p.Gly513Ter)

Gene: FBXO11 (F-box protein 11; minus strand). Cytogenetic location: 2p16.3.
Variant type: single nucleotide variant.
Coding change: c.1537G>T on transcript NM_001190274.2 (MANE Select); coding-DNA position 1537, G replaced by T.
Protein change: p.Gly513Ter; replaces glycine 513 with a stop codon.
Molecular consequence: nonsense.
Genome position (GRCh38, 1-based): chr2:47,823,222, C>A on the plus strand (G>T on the coding strand, the complement: FBXO11 is on the minus strand). VCF-style: chr2-47823222-C-A. GRCh37 (hg19) VCF-style: chr2-48050361-C-A.
Other names: c.1285G>T, p.Gly429Ter (NM_001374325.1, NM_025133.4); short protein forms G429*, G513*.
Identifiers: ClinVar variation 1711499 (VCV001711499.30), dbSNP rs2104738949, ClinGen allele CA346764822.

ClinVar aggregate classification (germline): Pathogenic (1 of 4 stars; one submission).

Submission:

CeGaT Center for Human Genetics Tuebingen
Classification: Pathogenic. Last evaluated: 2022-09-01. Review status: criteria provided, single submitter. Criteria: CeGaT Center For Human Genetics Tuebingen Variant Classification Criteria Version 2. Collection method: clinical testing. Allele origin: germline. Affected: yes. Observed: 1 variant allele.
Comment: FBXO11: PVS1, PS2, PM2